The following is an entry in ClinVar:

ClinVar aggregate classification (germline): Benign/Likely benign. Review status: criteria provided, multiple submitters, no conflicts (2 of 4 stars). 6 submissions from 6 submitters: Benign (1); Likely benign (5). Last evaluated 2026-02-23.

Conditions:
ACTN2-related disorder. Also called: ACTN2 related condition; ACTN2-related disorders.
Cardiovascular phenotype. Identifiers: MedGen CN230736.
Primary familial hypertrophic cardiomyopathy (HCM). Identifiers: Orphanet 99739, MedGen C0949658, MeSH D024741, MONDO:0024573. Inheritance: Various modes of inheritance.
Dilated cardiomyopathy 1AA (CMD1AA). Also called: CARDIOMYOPATHY, DILATED, 1AA, WITH OR WITHOUT LEFT VENTRICULAR NONCOMPACTION; CARDIOMYOPATHY, FAMILIAL HYPERTROPHIC, 23, WITH OR WITHOUT LEFT VENTRICULAR NONCOMPACTION; Cardiomyopathy, dilated, 1AA, with or without LVNC. Identifiers: Orphanet 154, MedGen C2677338, MONDO:0012808, OMIM 612158.

Allele frequency attached by ClinVar (database versions not stated): TOPMed 0.00002; gnomAD 0.00003 and 0.00005; gnomAD exomes 0.00008 and 0.00015; ExAC 0.00026; 1000 Genomes Project 30x 0.00031; 1000 Genomes Project 0.00040.
gnomAD v4.1: 136 of 1,604,104 alleles (0.0085%); highest among the groups gnomAD compares: South Asian, 0.13%; 1 homozygote.

Submissions (6):

Women's Health and Genetics/Laboratory Corporation of America, LabCorp
Classification: Benign. Last evaluated: 2026-02-23. Review status: criteria provided, single submitter. Criteria: LabCorp Variant Classification Summary - May 2015. Collection method: clinical testing. Allele origin: germline.

Labcorp Genetics (formerly Invitae), Labcorp
Classification: Likely benign for Primary familial hypertrophic cardiomyopathy; Dilated cardiomyopathy 1AA. Last evaluated: 2026-01-19. Review status: criteria provided, single submitter. Criteria: Invitae Variant Classification Sherloc (09022015). Collection method: clinical testing. Allele origin: germline.

PreventionGenetics, part of Exact Sciences
Classification: Likely benign for ACTN2-related condition. Last evaluated: 2024-12-06. Review status: criteria provided, single submitter. Criteria: ACMG Guidelines, 2015. Collection method: clinical testing. Allele origin: germline.
Comment: This variant is classified as likely benign based on ACMG/AMP sequence variant interpretation guidelines (Richards et al. 2015 PMID: 25741868, with internal and published modifications).

Blueprint Genetics
Classification: Likely benign. Last evaluated: 2024-07-23. Review status: criteria provided, single submitter. Criteria: ACMG Guidelines, 2015. Collection method: clinical testing. Allele origin: germline.

GeneDx
Classification: Likely benign. Last evaluated: 2021-02-15. Review status: criteria provided, single submitter. Criteria: GeneDx Variant Classification Process June 2021. Collection method: clinical testing. Allele origin: germline. Affected: yes.

Ambry Genetics
Classification: Likely benign for Cardiovascular phenotype. Last evaluated: 2020-07-27. Review status: criteria provided, single submitter. Criteria: Ambry Variant Classification Scheme 2023. Collection method: clinical testing. Allele origin: germline.

NM_001103.4(ACTN2):c.241+4G>A

Gene: ACTN2 (actinin alpha 2; plus strand). Cytogenetic location: 1q43.
Variant type: single nucleotide variant.
Coding change: c.241+4G>A on transcript NM_001103.4 (MANE Select); 4 bases into the intron after coding-DNA position 241, G replaced by A.
Molecular consequence: intron variant.
Genome position (GRCh38, 1-based): chr1:236,717,976, G>A. VCF-style: chr1-236717976-G-A. GRCh37 (hg19) VCF-style: chr1-236881276-G-A.
Other names: c.-581+4G>A (NM_001278344.2); c.241+4G>A (NM_001278343.2).
Identifiers: ClinVar variation 389573 (VCV000389573.20), dbSNP rs561826525, ClinGen allele CA1472731.